The following is an entry in ClinVar:

NM_173651.4(FSIP2):c.20647A>G (p.Thr6883Ala)

Gene: FSIP2 (fibrous sheath interacting protein 2; plus strand). Cytogenetic location: 2q32.1.
Variant type: single nucleotide variant.
Coding change: c.20647A>G on transcript NM_173651.4 (MANE Select); coding-DNA position 20647, A replaced by G.
Protein change: p.Thr6883Ala; replaces threonine 6883 with alanine.
Molecular consequence: missense variant.
Genome position (GRCh38, 1-based): chr2:185,833,149, A>G. VCF-style: chr2-185833149-A-G. GRCh37 (hg19) VCF-style: chr2-186697876-A-G.
Other names: short protein forms T6883A.
Identifiers: ClinVar variation 3060642 (VCV003060642.2), dbSNP rs1468999, ClinGen allele CA2017987.

ClinVar aggregate classification (germline): Benign (0 of 4 stars; one submission).

Conditions:
FSIP2-related disorder. Also called: FSIP2-related condition.

Allele frequency attached by ClinVar (database versions not stated): 1000 Genomes Project 30x 0.95675; 1000 Genomes Project 0.95707; TOPMed 0.96851; gnomAD 0.97056; ExAC 0.97664; ESP Exome Variant Server 0.97944; gnomAD exomes 0.99041.
gnomAD v4.1: 1,592,255 of 1,610,874 alleles (99%); highest among the groups gnomAD compares: Non-Finnish European, 100%; 787,413 homozygotes.

Submission:

PreventionGenetics, part of Exact Sciences
Classification: Benign for FSIP2-related condition. Last evaluated: 2019-10-17. Review status: no assertion criteria provided. Collection method: clinical testing. Allele origin: germline.
Comment: This variant is classified as benign based on ACMG/AMP sequence variant interpretation guidelines (Richards et al. 2015 PMID: 25741868, with internal and published modifications).